The following is an entry in ClinVar:

NM_001127222.2(CACNA1A):c.5994_5996dup (p.Gly2000dup)

Gene: CACNA1A (calcium voltage-gated channel subunit alpha1 A; minus strand). Cytogenetic location: 19p13.13.
Variant type: Duplication.
Coding change: c.5994_5996dup on transcript NM_001127222.2 (MANE Select); coding-DNA positions 5994 to 5996, 3 bases duplicated (AGG; older notation c.5994_5996dupAGG).
Protein change: p.Gly2000dup; duplicates glycine 2000.
Molecular consequence: inframe insertion.
Genome position (GRCh38, 1-based): chr19:13,212,685-13,212,687, CCT duplicated on the plus strand (AGG on the coding strand, the reverse complement: CACNA1A is on the minus strand). VCF-style (leftmost placement, unchanged base first): chr19-13212684-C-CCCT. GRCh37 (hg19) VCF-style: chr19-13323498-C-CCCT.
Other names: c.6012_6014dup, p.Gly2006dup (NM_000068.4, NM_023035.3); c.5997_5999dup, p.Gly2001dup (NM_001127221.2); c.6003_6005dup, p.Gly2003dup (NM_001174080.2).
Identifiers: ClinVar variation 1041062 (VCV001041062.9), dbSNP rs2054858852, ClinGen allele CA2323784182.

ClinVar aggregate classification (germline): Uncertain significance (1 of 4 stars; one submission).

Conditions:
Developmental and epileptic encephalopathy, 42 (DEE42A). Also called: DEVELOPMENTAL AND EPILEPTIC ENCEPHALOPATHY 42A; EPILEPTIC ENCEPHALOPATHY, EARLY INFANTILE, 42A; Epileptic encephalopathy, early infantile, 42. Identifiers: MedGen C4310716, MONDO:0014917, OMIM 617106.
Episodic ataxia type 2 (EA2). Also called: CEREBELLAR ATAXIA, PAROXYSMAL, ACETAZOLAMIDE-RESPONSIVE; CEREBELLOPATHY, HEREDITARY PAROXYSMAL; EPISODIC ATAXIA, NYSTAGMUS-ASSOCIATED; ACETAZOLAMIDE-RESPONSIVE HEREDITARY PAROXYSMAL CEREBELLAR ATAXIA; ATAXIA, EPISODIC, WITH NYSTAGMUS; ATAXIA, FAMILIAL PAROXYSMAL. Identifiers: Orphanet 97, MedGen C1720416, MONDO:0007163, OMIM 108500.

Submission:

Labcorp Genetics (formerly Invitae), Labcorp
Classification: Uncertain significance for Developmental and epileptic encephalopathy, 42; Episodic ataxia type 2. Last evaluated: 2020-10-26. Review status: criteria provided, single submitter. Criteria: Invitae Variant Classification Sherloc (09022015). Collection method: clinical testing. Allele origin: germline.
Comment: Experimental studies and prediction algorithms are not available or were not evaluated, and the functional significance of this variant is currently unknown. This variant has not been reported in the literature in individuals with CACNA1A-related conditions. This variant is not present in population databases (ExAC no frequency). This variant, c.5997_5999dup, results in the insertion of 1 amino acid(s) to the CACNA1A protein (p.Gly2001dup), but otherwise preserves the integrity of the reading frame. In summary, the available evidence is currently insufficient to determine the role of this variant in disease. Therefore, it has been classified as a Variant of Uncertain Significance.